The following is an entry in ClinVar:

NM_004963.4(GUCY2C):c.1313C>A (p.Thr438Asn)

Gene: GUCY2C (guanylate cyclase 2C; minus strand). Cytogenetic location: 12p12.3.
Variant type: single nucleotide variant.
Coding change: c.1313C>A on transcript NM_004963.4 (MANE Select); coding-DNA position 1313, C replaced by A.
Protein change: p.Thr438Asn; replaces threonine 438 with asparagine.
Molecular consequence: missense variant.
Genome position (GRCh38, 1-based): chr12:14,661,032, G>T on the plus strand (C>A on the coding strand, the complement: GUCY2C is on the minus strand). VCF-style: chr12-14661032-G-T. GRCh37 (hg19) VCF-style: chr12-14813966-G-T.
Other names: short protein forms T438N.
Identifiers: ClinVar variation 3684816 (VCV003684816.2).
Genomic context (GRCh38, chr12:14,661,032, plus strand): 5'-CGGCTGTACCTGAGCATCAGGAGAGCGACGAGCAGGAGCAGCACCACAGCTCCAGTGAGG[G>T]TGAAGACTGCAATCATCAGGATCTGAGGGCCTGTGGCGGAAAATGCGTTAGGAAGGACCT-3'
Protein context (NP_004954.2, residues 428-448): GPQILMIAVF[Thr438Asn]LTGAVVLLLL

ClinVar aggregate classification (germline): Uncertain significance (1 of 4 stars; one submission).

gnomAD v4.1: 1 of 1,613,138 alleles (0.000062%); highest among the groups gnomAD compares: Non-Finnish European, 0.000085%; no homozygotes.

Submission:

Labcorp Genetics (formerly Invitae), Labcorp
Classification: Uncertain significance. Last evaluated: 2024-03-27. Review status: criteria provided, single submitter. Criteria: Invitae Variant Classification Sherloc (09022015). Collection method: clinical testing. Allele origin: germline.
Comment: This sequence change replaces threonine, which is neutral and polar, with asparagine, which is neutral and polar, at codon 438 of the GUCY2C protein (p.Thr438Asn). This variant is not present in population databases (gnomAD no frequency). This variant has not been reported in the literature in individuals affected with GUCY2C-related conditions. Advanced modeling of protein sequence and biophysical properties (such as structural, functional, and spatial information, amino acid conservation, physicochemical variation, residue mobility, and thermodynamic stability) performed at Invitae indicates that this missense variant is not expected to disrupt GUCY2C protein function with a negative predictive value of 80%. In summary, the available evidence is currently insufficient to determine the role of this variant in disease. Therefore, it has been classified as a Variant of Uncertain Significance.